The following is an entry in ClinVar:

ClinVar aggregate classification (germline): Uncertain significance. Review status: criteria provided, multiple submitters, no conflicts (2 of 4 stars). 2 submissions from 2 submitters: Uncertain significance (2). Last evaluated 2023-11-27.

Conditions:
Nephronophthisis. Also called: Juvenile Nephronophthisis. Identifiers: Orphanet 655, MedGen C0687120, MONDO:0019005, HP:0000090.

Allele frequency attached by ClinVar (database versions not stated): gnomAD 0.00001.
gnomAD v4.1: 9 of 1,613,818 alleles (0.00056%); highest among the groups gnomAD compares: Admixed American, 0.0033%; no homozygotes.

Submissions (2):

Labcorp Genetics (formerly Invitae), Labcorp
Classification: Uncertain significance for Nephronophthisis. Last evaluated: 2023-11-27. Review status: criteria provided, single submitter. Criteria: Invitae Variant Classification Sherloc (09022015). Collection method: clinical testing. Allele origin: germline.
Comment: This sequence change replaces valine, which is neutral and non-polar, with methionine, which is neutral and non-polar, at codon 1091 of the NPHP4 protein (p.Val1091Met). This variant is present in population databases (no rsID available, gnomAD 0.003%). This variant has not been reported in the literature in individuals affected with NPHP4-related conditions. ClinVar contains an entry for this variant (Variation ID: 1421980). Advanced modeling of protein sequence and biophysical properties (such as structural, functional, and spatial information, amino acid conservation, physicochemical variation, residue mobility, and thermodynamic stability) performed at Invitae indicates that this missense variant is not expected to disrupt NPHP4 protein function with a negative predictive value of 80%. In summary, the available evidence is currently insufficient to determine the role of this variant in disease. Therefore, it has been classified as a Variant of Uncertain Significance.

Revvity Omics, Revvity
Classification: Uncertain significance. Last evaluated: 2021-11-22. Review status: criteria provided, single submitter. Criteria: ACMG Guidelines, 2015. Collection method: clinical testing. Allele origin: germline.

NM_015102.5(NPHP4):c.3271G>A (p.Val1091Met)

Gene: NPHP4 (nephrocystin 4; minus strand). Cytogenetic location: 1p36.31.
Variant type: single nucleotide variant.
Coding change: c.3271G>A on transcript NM_015102.5 (MANE Select); coding-DNA position 3271, G replaced by A.
Protein change: p.Val1091Met; replaces valine 1091 with methionine.
Molecular consequence: missense variant. On other transcripts: non-coding transcript variant (1).
Genome position (GRCh38, 1-based): chr1:5,873,296, C>T on the plus strand (G>A on the coding strand, the complement: NPHP4 is on the minus strand). VCF-style: chr1-5873296-C-T. GRCh37 (hg19) VCF-style: chr1-5933356-C-T.
Other names: c.1732G>A, p.Val578Met (NM_001291593.2); c.1735G>A, p.Val579Met (NM_001291594.2); short protein forms V1091M, V579M, V578M.
Identifiers: ClinVar variation 1421980 (VCV001421980.8), dbSNP rs761546950, ClinGen allele CA17134714.